The following is an entry in ClinVar:

NM_177438.3(DICER1):c.2090T>C (p.Ile697Thr)

Gene: DICER1 (dicer 1, ribonuclease III; minus strand). Cytogenetic location: 14q32.13.
Variant type: single nucleotide variant.
Coding change: c.2090T>C on transcript NM_177438.3 (MANE Select); coding-DNA position 2090, T replaced by C.
Protein change: p.Ile697Thr; replaces isoleucine 697 with threonine.
Molecular consequence: missense variant. On other transcripts: non-coding transcript variant (6).
Genome position (GRCh38, 1-based): chr14:95,112,198, A>G on the plus strand (T>C on the coding strand, the complement: DICER1 is on the minus strand). VCF-style: chr14-95112198-A-G. GRCh37 (hg19) VCF-style: chr14-95578535-A-G.
Other names: c.2090T>C, p.Ile697Thr (NM_001195573.1, NM_001271282.3, NM_001291628.2 and 13 more transcripts); c.1808T>C, p.Ile603Thr (NM_001395686.1); c.1685T>C, p.Ile562Thr (NM_001395687.1, NM_001395688.1, NM_001395689.1 and 3 more transcripts); c.1523T>C, p.Ile508Thr (NM_001395691.1); c.407T>C, p.Ile136Thr (NM_001395697.1); short protein forms I562T, I603T, I508T, I136T, I697T.
Identifiers: ClinVar variation 2566178 (VCV002566178.2), dbSNP rs1892032267, ClinGen allele CA390883046.

ClinVar aggregate classification (germline): Uncertain significance (1 of 4 stars; one submission).

Conditions:
Hereditary cancer-predisposing syndrome. Also called: Neoplastic Syndromes, Hereditary; Hereditary Cancer Syndrome; Hereditary neoplastic syndrome; Tumor predisposition. Identifiers: Orphanet 140162, MedGen C0027672, MeSH D009386, MONDO:0015356.

Allele frequency attached by ClinVar (database versions not stated): TOPMed below 0.00001.

Submission:

Ambry Genetics
Classification: Uncertain significance for Hereditary cancer-predisposing syndrome. Last evaluated: 2023-04-18. Review status: criteria provided, single submitter. Criteria: Ambry Variant Classification Scheme 2023. Collection method: clinical testing. Allele origin: germline.
Comment: The p.I697T variant (also known as c.2090T>C), located in coding exon 12 of the DICER1 gene, results from a T to C substitution at nucleotide position 2090. The isoleucine at codon 697 is replaced by threonine, an amino acid with similar properties. This amino acid position is conserved. In addition, the in silico prediction for this alteration is inconclusive. Since supporting evidence is limited at this time, the clinical significance of this alteration remains unclear.